The following is an entry in ClinVar:

NM_004462.5(FDFT1):c.366G>T (p.Leu122=)

Gene: FDFT1 (farnesyl-diphosphate farnesyltransferase 1). Cytogenetic location: 8p23.1.
Variant type: single nucleotide variant.
Coding change: c.366G>T on transcript NM_004462.5 (MANE Select); coding-DNA position 366, G replaced by T.
Protein change: p.Leu122=; no amino-acid change (leucine 122 retained).
Molecular consequence: synonymous variant. On other transcripts: intron variant (1).
Genome position (GRCh38, 1-based): chr8:11,809,835, G>T. VCF-style: chr8-11809835-G-T. GRCh37 (hg19) VCF-style: chr8-11667344-G-T.
Other names: c.366G>T, p.Leu122= (NM_001287742.2, NM_001287743.2); c.174G>T, p.Leu58= (NM_001287744.2, NM_001287745.2, NM_001287747.2 and 2 more transcripts); c.543G>T, p.Leu181= (NM_001287750.2); c.111G>T, p.Leu37= (NM_001287751.2); c.64+6925G>T (NM_001287756.2).
Identifiers: ClinVar variation 3771293 (VCV003771293.14).

ClinVar aggregate classification (germline): Likely benign. Review status: criteria provided, multiple submitters, no conflicts (2 of 4 stars). 2 submissions from 2 submitters: Likely benign (2). Last evaluated 2025-01-01.

gnomAD v4.1: 21 of 1,613,250 alleles (0.0013%); highest among the groups gnomAD compares: Non-Finnish European, 0.0017%; no homozygotes.

Submissions (2):

CeGaT Center for Human Genetics Tuebingen
Classification: Likely benign. Last evaluated: 2025-01-01. Review status: criteria provided, single submitter. Criteria: CeGaT Center For Human Genetics Tuebingen Variant Classification Criteria Version 2. Collection method: clinical testing. Allele origin: germline. Affected: yes. Observed: 1 variant allele.
Comment: FDFT1: BP4, BP7

Blueprint Genetics
Classification: Likely benign. Last evaluated: 2024-10-02. Review status: criteria provided, single submitter. Criteria: ACMG Guidelines, 2015. Collection method: clinical testing. Allele origin: germline.